The following is an entry in ClinVar:

NM_001999.4(FBN2):c.8230T>G (p.Tyr2744Asp)

Gene: FBN2 (fibrillin 2; minus strand). Cytogenetic location: 5q23.3.
Variant type: single nucleotide variant.
Coding change: c.8230T>G on transcript NM_001999.4 (MANE Select); coding-DNA position 8230, T replaced by G.
Protein change: p.Tyr2744Asp; replaces tyrosine 2744 with aspartic acid.
Molecular consequence: missense variant.
Genome position (GRCh38, 1-based): chr5:128,261,870, A>C on the plus strand (T>G on the coding strand, the complement: FBN2 is on the minus strand). VCF-style: chr5-128261870-A-C. GRCh37 (hg19) VCF-style: chr5-127597562-A-C.
Other names: short protein forms Y2744D.
Identifiers: ClinVar variation 458782 (VCV000458782.11), dbSNP rs752138290, ClinGen allele CA3393871.
Genomic context (GRCh38, chr5:128,261,870, plus strand): 5'-CGTAGCATGCTTCTGGGGACAGAGCATTTTCCTCATCGACCTCTGTATCCAGTGACAGGT[A>C]CTGCCCCTTGTTAAATCCCATTCCTGAGACACAGTGGCTATTTGCAAAAAGCAAAGTATT-3'
Protein context (NP_001990.2, residues 2734-2754): VSGMGFNKGQ[Tyr2744Asp]LSLDTEVDEE

ClinVar aggregate classification (germline): Conflicting classifications of pathogenicity. Review status: criteria provided, conflicting classifications (1 of 4 stars). 5 submissions from 5 submitters: Uncertain significance (3); Benign (1); Likely benign (1). Last evaluated 2025-03-04.

Conditions:
Macular degeneration, early-onset (EOMD). Identifiers: MedGen C4015286, MONDO:0014501, OMIM 616118.
Congenital contractural arachnodactyly (CCA). Also called: Arthrogryposis, distal, type 9; BEALS SYNDROME; Beals-Hecht syndrome. Identifiers: Orphanet 115, MedGen C0220668, MONDO:0007363, OMIM 121050.
Familial thoracic aortic aneurysm and aortic dissection (TAAD). Also called: Thoracic aortic aneurysms and dissections. Identifiers: Orphanet 91387, MedGen C4707243, MONDO:0019625.

Allele frequency attached by ClinVar (database versions not stated): ExAC 0.00001; gnomAD 0.00003 and 0.00004; gnomAD exomes 0.00003 and 0.00004; TOPMed 0.00003.
gnomAD v4.1: 23 of 1,614,066 alleles (0.0014%); highest among the groups gnomAD compares: Admixed American, 0.012%; no homozygotes.

Submissions (5):

Labcorp Genetics (formerly Invitae), Labcorp
Classification: Benign for Congenital contractural arachnodactyly. Last evaluated: 2025-03-04. Review status: criteria provided, single submitter. Criteria: Invitae Variant Classification Sherloc (09022015). Collection method: clinical testing. Allele origin: germline.

Ambry Genetics
Classification: Uncertain significance for Familial thoracic aortic aneurysm and aortic dissection. Last evaluated: 2024-02-29. Review status: criteria provided, single submitter. Criteria: Ambry Variant Classification Scheme 2023. Collection method: clinical testing. Allele origin: germline.
Comment: The p.Y2744D variant (also known as c.8230T>G), located in coding exon 64 of the FBN2 gene, results from a T to G substitution at nucleotide position 8230. The tyrosine at codon 2744 is replaced by aspartic acid, an amino acid with highly dissimilar properties. This amino acid position is highly conserved in available vertebrate species. In addition, this alteration is predicted to be deleterious by in silico analysis. Based on the available evidence, the clinical significance of this alteration remains unclear.

Blueprint Genetics
Classification: Likely benign. Last evaluated: 2022-12-02. Review status: criteria provided, single submitter. Criteria: ACMG Guidelines, 2015. Collection method: clinical testing. Allele origin: germline.

Fulgent Genetics
Classification: Uncertain significance for Congenital contractural arachnodactyly; Macular degeneration, early-onset. Last evaluated: 2022-04-27. Review status: criteria provided, single submitter. Criteria: ACMG Guidelines, 2015. Collection method: clinical testing. Allele origin: unknown.

GeneDx
Classification: Uncertain significance. Last evaluated: 2019-08-06. Review status: criteria provided, single submitter. Criteria: GeneDx Variant Classification Process June 2021. Collection method: clinical testing. Allele origin: germline. Affected: yes.
Comment: Has not been previously published as pathogenic or benign to our knowledge; Reported as a variant of uncertain significance by another clinical laboratory in ClinVar (ClinVar Variant ID# 458782; Landrum et al., 2016); In silico analysis, which includes protein predictors and evolutionary conservation, supports that this variant does not alter protein structure/function; Does not affect a cysteine residue within a calcium-binding EGF-like domain of the FBN2 gene; cysteine substitutions in the calcium-binding EGF-like domains represent the majority of pathogenic missense changes associated with FBN2-related disorders (Frederic et al., 2009)